The following is an entry in ClinVar:

NM_004836.7(EIF2AK3):c.1293G>A (p.Trp431Ter)

Gene: EIF2AK3 (eukaryotic translation initiation factor 2 alpha kinase 3; minus strand). Cytogenetic location: 2p11.2.
Variant type: single nucleotide variant.
Coding change: c.1293G>A on transcript NM_004836.7 (MANE Select); coding-DNA position 1293, G replaced by A.
Protein change: p.Trp431Ter; replaces tryptophan 431 with a stop codon.
Molecular consequence: nonsense.
Genome position (GRCh38, 1-based): chr2:88,588,774, C>T on the plus strand (G>A on the coding strand, the complement: EIF2AK3 is on the minus strand). VCF-style: chr2-88588774-C-T. GRCh37 (hg19) VCF-style: chr2-88888292-C-T.
Other names: c.840G>A, p.Trp280Ter (NM_001313915.2); short protein forms W280*, W431*.
Identifiers: ClinVar variation 3384061 (VCV003384061.2).
Genomic context (GRCh38, chr2:88,588,774, plus strand): 5'-GGTCTCTGAACACTAACAGTATTTAGAAAAGTTTACAATTCACTTACGAATTAAGGGTTT[C>T]CATTTGATTGTTGGTAAAGGAATAATTGCGTTTTCATTAGTGACAGATTCCAAAGCCTTG-3'

ClinVar aggregate classification (germline): Likely pathogenic. Review status: criteria provided, multiple submitters, no conflicts (2 of 4 stars). 2 submissions from 2 submitters: Likely pathogenic (2). Last evaluated 2026-01-01.

Conditions:
Syndromic Monogenic Diabetes.
Wolcott-Rallison dysplasia. Also called: MED-IDDM SYNDROME; Wolcott-Rallison syndrome. Identifiers: Orphanet 1667, MedGen C0432217, MONDO:0009192, OMIM 226980.

Submissions (2):

Genomic Medicine Center of Excellence, King Faisal Specialist Hospital and Research Centre
Classification: Likely pathogenic for Syndromic Monogenic Diabetes. Last evaluated: 2026-01-01. Review status: criteria provided, single submitter. Criteria: ACMG Guidelines, 2015. Collection method: clinical testing. Allele origin: germline. Affected: yes.

Dubai Health Genomic Medicine Center, Dubai Health
Classification: Likely pathogenic for Wolcott-Rallison syndrome. Last evaluated: 2024-10-04. Review status: criteria provided, single submitter. Criteria: ACMG Guidelines, 2015. Collection method: research. Allele origin: germline. Affected: yes.
Comment: PVS1,PM2